The following is an entry in ClinVar:

ClinVar aggregate classification (germline): Pathogenic (1 of 4 stars; one submission).

Submission:

Labcorp Genetics (formerly Invitae), Labcorp
Classification: Pathogenic. Last evaluated: 2023-05-26. Review status: criteria provided, single submitter. Criteria: Invitae Variant Classification Sherloc (09022015). Collection method: clinical testing. Allele origin: germline.
Comment: For these reasons, this variant has been classified as Pathogenic. This variant has not been reported in the literature in individuals affected with MCM3AP-related conditions. This variant is not present in population databases (gnomAD no frequency). This sequence change creates a premature translational stop signal (p.Glu1162Alafs*5) in the MCM3AP gene. It is expected to result in an absent or disrupted protein product. Loss-of-function variants in MCM3AP are known to be pathogenic (PMID: 28633435).

Literature cited by the submitters: PubMed 28633435.

NM_003906.5(MCM3AP):c.3485_3486del (p.Glu1162fs)

Gene: MCM3AP (minichromosome maintenance complex component 3 associated protein; minus strand). Cytogenetic location: 21q22.3.
Variant type: Microsatellite.
Coding change: c.3485_3486del on transcript NM_003906.5 (MANE Select); coding-DNA positions 3485 to 3486, 2 bases deleted (AG; older notation c.3485_3486delAG).
Protein change: p.Glu1162fs; shifts the reading frame from glutamic acid 1162.
Molecular consequence: frameshift variant.
Genome position (GRCh38, 1-based): chr21:46,260,888-46,260,889, CT deleted on the plus strand (AG on the coding strand, the reverse complement: MCM3AP is on the minus strand); deleting any 2 consecutive bases within chr21:46,260,888-46,260,897 gives the same sequence; the c. name uses the placement nearest the transcript's 3' end. VCF-style (leftmost placement, unchanged base first): chr21-46260887-GCT-G. GRCh37 (hg19) VCF-style: chr21-47680801-GCT-G.
Other names: short protein forms E1162fs.
Identifiers: ClinVar variation 2798058 (VCV002798058.3), dbSNP rs750916198, ClinGen allele CA1022893462.